The following is an entry in ClinVar:

ClinVar aggregate classification (germline): Likely benign. Review status: criteria provided, multiple submitters, no conflicts (2 of 4 stars). 2 submissions from 2 submitters: Likely benign (2). Last evaluated 2024-10-18.

Allele frequency attached by ClinVar (database versions not stated): gnomAD 0.00009.

Submissions (2):

Blueprint Genetics
Classification: Likely benign. Last evaluated: 2024-10-18. Review status: criteria provided, single submitter. Criteria: ACMG Guidelines, 2015. Collection method: clinical testing. Allele origin: germline.

CeGaT Center for Human Genetics Tuebingen
Classification: Likely benign. Last evaluated: 2022-12-01. Review status: criteria provided, single submitter. Criteria: CeGaT Center For Human Genetics Tuebingen Variant Classification Criteria Version 2. Collection method: clinical testing. Allele origin: germline. Affected: yes. Observed: 1 variant allele.
Comment: FOXC2: BP4, BP7

NM_005251.3(FOXC2):c.832C>T (p.Leu278=)

Gene: FOXC2 (forkhead box C2; plus strand). Cytogenetic location: 16q24.1.
Variant type: single nucleotide variant.
Coding change: c.832C>T on transcript NM_005251.3 (MANE Select); coding-DNA position 832, C replaced by T.
Protein change: p.Leu278=; no amino-acid change (leucine 278 retained).
Molecular consequence: synonymous variant.
Genome position (GRCh38, 1-based): chr16:86,568,167, C>T. VCF-style: chr16-86568167-C-T. GRCh37 (hg19) VCF-style: chr16-86601773-C-T.
Identifiers: ClinVar variation 2646948 (VCV002646948.25), dbSNP rs746615192, ClinGen allele CA8218399.